The following is an entry in ClinVar:

ClinVar aggregate classification (germline): Pathogenic (1 of 4 stars; one submission).

Conditions:
Diamond-Blackfan anemia 5 (DBA5). Also called: RPL35A-Related Diamond-Blackfan Anemia. Identifiers: Orphanet 124, MedGen C2675859, MONDO:0012925, OMIM 612528.

Submission:

Labcorp Genetics (formerly Invitae), Labcorp
Classification: Pathogenic for Diamond-Blackfan anemia 5. Last evaluated: 2017-09-18. Review status: criteria provided, single submitter. Criteria: Invitae Variant Classification Sherloc (09022015). Collection method: clinical testing. Allele origin: germline.
Comment: This sequence change creates a premature translational stop signal (p.Trp71*) in the RPL35A gene. It is expected to result in an absent or disrupted protein product. This variant is not present in population databases (ExAC no frequency). This variant has not been reported in the literature in individuals with RPL35A-related disease. Loss-of-function variants in RPL35A are known to be pathogenic (PMID: 18535205, 25946618). For these reasons, this variant has been classified as Pathogenic.

NM_000996.4(RPL35A):c.212G>A (p.Trp71Ter)

Genes: DRC9 (dynein regulatory complex subunit 9; minus strand), RPL35A (ribosomal protein L35a; plus strand). Cytogenetic location: 3q29.
Variant type: single nucleotide variant.
Coding change: c.212G>A on transcript NM_000996.4 (MANE Select); coding-DNA position 212, G replaced by A.
Protein change: p.Trp71Ter; replaces tryptophan 71 with a stop codon.
Molecular consequence: nonsense. On other transcripts: intron variant (3).
Genome position (GRCh38, 1-based): chr3:197,954,050, G>A. VCF-style: chr3-197954050-G-A. GRCh37 (hg19) VCF-style: chr3-197680921-G-A.
Other names: c.212G>A, p.Trp71Ter (NM_001316311.2); c.-50+5479C>T (NM_001323028.2); c.-60+5479C>T (NM_032263.5); c.-375+5479C>T (NM_001323029.2); short protein forms W71*.
Identifiers: ClinVar variation 537236 (VCV000537236.1), dbSNP rs1553811551, ClinGen allele CA355884581.